The following is an entry in ClinVar:

ClinVar aggregate classification (germline): Conflicting classifications of pathogenicity. Review status: criteria provided, conflicting classifications (1 of 4 stars). 2 submissions from 2 submitters: Uncertain significance (1); Likely benign (1). Last evaluated 2026-01-28.

Conditions:
Inborn genetic diseases. Identifiers: MedGen C0950123, MeSH D030342.

Allele frequency attached by ClinVar (database versions not stated): gnomAD exomes 0.00003 and 0.00005; gnomAD 0.00006; ExAC 0.00007; TOPMed 0.00009; ESP Exome Variant Server 0.00015.
gnomAD v4.1: 56 of 1,614,058 alleles (0.0035%); highest among the groups gnomAD compares: African/African-American, 0.028%; no homozygotes.

Submissions (2):

Labcorp Genetics (formerly Invitae), Labcorp
Classification: Uncertain significance. Last evaluated: 2026-01-28. Review status: criteria provided, single submitter. Criteria: Invitae Variant Classification Sherloc (09022015). Collection method: clinical testing. Allele origin: germline.
Comment: This sequence change replaces arginine, which is basic and polar, with glutamine, which is neutral and polar, at codon 203 of the LBR protein (p.Arg203Gln). This variant is present in population databases (rs142747191, gnomAD 0.03%). This variant has not been reported in the literature in individuals affected with LBR-related conditions. ClinVar contains an entry for this variant (Variation ID: 1432397). Invitae Evidence Modeling of protein sequence and biophysical properties (such as structural, functional, and spatial information, amino acid conservation, physicochemical variation, residue mobility, and thermodynamic stability) indicates that this missense variant is not expected to disrupt LBR protein function with a negative predictive value of 80%. In summary, the available evidence is currently insufficient to determine the role of this variant in disease. Therefore, it has been classified as a Variant of Uncertain Significance.

Ambry Genetics
Classification: Likely benign for Inborn genetic diseases. Last evaluated: 2022-12-21. Review status: criteria provided, single submitter. Criteria: Ambry Variant Classification Scheme 2023. Collection method: clinical testing. Allele origin: germline.

NM_002296.4(LBR):c.608G>A (p.Arg203Gln)

Gene: LBR (lamin B receptor; minus strand). Cytogenetic location: 1q42.12.
Variant type: single nucleotide variant.
Coding change: c.608G>A on transcript NM_002296.4 (MANE Select); coding-DNA position 608, G replaced by A.
Protein change: p.Arg203Gln; replaces arginine 203 with glutamine.
Molecular consequence: missense variant.
Genome position (GRCh38, 1-based): chr1:225,419,295, C>T on the plus strand (G>A on the coding strand, the complement: LBR is on the minus strand). VCF-style: chr1-225419295-C-T. GRCh37 (hg19) VCF-style: chr1-225606997-C-T.
Other names: c.608G>A, p.Arg203Gln (NM_194442.3); c.608G>A (NM_002296.3); short protein forms R203Q.
Identifiers: ClinVar variation 1432397 (VCV001432397.9), dbSNP rs142747191, ClinGen allele CA1417426.